The following is an entry in ClinVar:

ClinVar aggregate classification (germline): Uncertain significance (1 of 4 stars; one submission).

Submission:

GeneDx
Classification: Uncertain significance. Last evaluated: 2024-10-28. Review status: criteria provided, single submitter. Criteria: GeneDx Variant Classification Process June 2021. Collection method: clinical testing. Allele origin: germline. Affected: yes.
Comment: Not observed at significant frequency in large population cohorts (gnomAD); In silico analysis supports that this missense variant has a deleterious effect on protein structure/function; Has not been previously published as pathogenic or benign to our knowledge

NM_000297.4(PKD2):c.1042T>C (p.Tyr348His)

Gene: PKD2 (polycystin 2, transient receptor potential cation channel; plus strand). Cytogenetic location: 4q22.1.
Variant type: single nucleotide variant.
Coding change: c.1042T>C on transcript NM_000297.4 (MANE Select); coding-DNA position 1042, T replaced by C.
Protein change: p.Tyr348His; replaces tyrosine 348 with histidine.
Molecular consequence: missense variant. On other transcripts: non-coding transcript variant (1).
Genome position (GRCh38, 1-based): chr4:88,038,449, T>C. VCF-style: chr4-88038449-T-C. GRCh37 (hg19) VCF-style: chr4-88959601-T-C.
Other names: short protein forms Y348H.
Identifiers: ClinVar variation 3893478 (VCV003893478.1).